The following is an entry in ClinVar:

ClinVar aggregate classification (germline): Benign (0 of 4 stars; one submission).

Conditions:
TASP1-related disorder. Also called: TASP1-related condition.

Allele frequency attached by ClinVar (database versions not stated): ESP Exome Variant Server 0.00138; gnomAD 0.00325; 1000 Genomes Project 30x 0.00344; TOPMed 0.00351; 1000 Genomes Project 0.00359; gnomAD exomes 0.00377; ExAC 0.00548.
gnomAD v4.1: 5,995 of 1,613,410 alleles (0.37%); highest among the groups gnomAD compares: Admixed American, 1.6%; 37 homozygotes.

Submission:

PreventionGenetics, part of Exact Sciences
Classification: Benign for TASP1-related condition. Last evaluated: 2019-11-12. Review status: no assertion criteria provided. Collection method: clinical testing. Allele origin: germline.
Comment: This variant is classified as benign based on ACMG/AMP sequence variant interpretation guidelines (Richards et al. 2015 PMID: 25741868, with internal and published modifications).

NM_017714.3(TASP1):c.765G>A (p.Leu255=)

Gene: TASP1 (taspase 1; minus strand). Cytogenetic location: 20p12.1.
Variant type: single nucleotide variant.
Coding change: c.765G>A on transcript NM_017714.3 (MANE Select); coding-DNA position 765, G replaced by A.
Protein change: p.Leu255=; no amino-acid change (leucine 255 retained).
Molecular consequence: synonymous variant. On other transcripts: non-coding transcript variant (4).
Genome position (GRCh38, 1-based): chr20:13,534,052, C>T on the plus strand (G>A on the coding strand, the complement: TASP1 is on the minus strand). VCF-style: chr20-13534052-C-T. GRCh37 (hg19) VCF-style: chr20-13514699-C-T.
Other names: c.372G>A, p.Leu124= (NM_001323602.2); c.459G>A, p.Leu153= (NM_001323603.2, NM_001323604.2).
Identifiers: ClinVar variation 3033137 (VCV003033137.2), dbSNP rs145022707, ClinGen allele CA9766615.
Genomic context (GRCh38, chr20:13,534,052, plus strand): 5'-GGCTAGTTTAAAAAACCCATAATTACTTACCTGCCCAACTCTCCCCGGATGTTTCAAGGC[C>T]AAGCCTCCACTGGAGACAGCAGCAGCAACATTCCCTTCGTGGTCCACAACCACAGCGCCT-3'
Protein context (NP_060184.2, residues 245-265): NVAAAVSSGG[Leu255=]ALKHPGRVGQ